The following is an entry in ClinVar:

ClinVar aggregate classification (germline): Uncertain significance. Review status: criteria provided, multiple submitters, no conflicts (2 of 4 stars). 10 submissions from 10 submitters: Uncertain significance (9). 1 of the submissions does not count toward it. Last evaluated 2026-04-11.

Conditions:
CFTR-related disorder (CFTR-RD). Also called: CFTR-related condition; CFTR-related disorders. Identifiers: MedGen C5924204, MONDO:7770004.
Congenital bilateral aplasia of vas deferens from CFTR mutation (CBAVD). Identifiers: Orphanet 48, MedGen C0403814, MONDO:0010178, OMIM 277180. Disease mechanism: loss of function.
Hereditary pancreatitis (PCTT). Also called: Hereditary chronic pancreatitis; PRSS1-Related Hereditary Pancreatitis. Identifiers: Orphanet 676, MedGen C0238339, MONDO:0008185, OMIM 167800.
Cystic fibrosis (CF). Also called: MUCOVISCIDOSIS. Identifiers: Orphanet 586, MedGen C0010674, MONDO:0009061, OMIM 219700. Disease mechanism: loss of function.
Bronchiectasis with or without elevated sweat chloride 1 (BESC1). Also called: Cystic Fibrosis-Like Syndrome. Identifiers: Orphanet 60033, MedGen C2749757, MONDO:0008887, OMIM 211400.

Allele frequency attached by ClinVar (database versions not stated): ExAC 0.00002; gnomAD 0.00002 and 0.00003; gnomAD exomes 0.00002; TOPMed 0.00003.
gnomAD v4.1: 10 of 1,613,162 alleles (0.00062%); highest among the groups gnomAD compares: Admixed American, 0.013%; no homozygotes.

Submissions (10):

PreventionGenetics, part of Exact Sciences
Classification: Uncertain significance for CFTR-related condition. Last evaluated: 2026-04-11. Review status: criteria provided, single submitter. Criteria: ACMG Guidelines, 2015. Collection method: clinical testing. Allele origin: germline.
Comment: The CFTR c.3650C>T variant is predicted to result in the amino acid substitution p.Ala1217Val. To our knowledge, this variant has not been reported in the literature. This variant is reported in 0.014% of alleles in individuals of Latino descent in gnomAD. An alternative missense change at the same amino acid position, p.Ala1217Glu, has been reported alongside a second variant in the CFTR gene in an individual with cystic fibrosis (Zybert et al 2020. PubMed ID: 32442342). At this time, the clinical significance of the c.3650C>T (p.Ala1217Val) variant is uncertain due to the absence of conclusive functional and genetic evidence.

Ambry Genetics
Classification: Uncertain significance for Cystic fibrosis. Last evaluated: 2025-02-24. Review status: criteria provided, single submitter. Criteria: Ambry Variant Classification Scheme 2023. Collection method: clinical testing. Allele origin: germline.
Comment: The p.A1217V variant (also known as c.3650C>T), located in coding exon 22 of the CFTR gene, results from a C to T substitution at nucleotide position 3650. The alanine at codon 1217 is replaced by valine, an amino acid with similar properties. This amino acid position is not well conserved in available vertebrate species. In addition, the in silico prediction for this alteration is inconclusive. Since supporting evidence is limited at this time, the clinical significance of this alteration remains unclear.

ARUP Laboratories, Molecular Genetics and Genomics, ARUP Laboratories
Classification: Uncertain significance. Last evaluated: 2024-01-11. Review status: criteria provided, single submitter. Criteria: ARUP Molecular Germline Variant Investigation Process 2024. Collection method: clinical testing. Allele origin: germline.
Comment: The CFTR c.3650C>T; p.Ala1217Val variant (rs749662161), to our knowledge, is not reported in the medical literature but is reported in ClinVar (Variation ID: 439480). This variant is observed in the Admixed American population with an allele frequency of 0.01% (5/34524 alleles) in the Genome Aggregation Database (v2.1.1.). Computational analyses are uncertain whether this variant is neutral or deleterious (REVEL: 0.393). Due to limited information, the clinical significance of this variant is uncertain at this time.

Labcorp Genetics (formerly Invitae), Labcorp
Classification: Uncertain significance for Cystic fibrosis. Last evaluated: 2022-09-07. Review status: criteria provided, single submitter. Criteria: Invitae Variant Classification Sherloc (09022015). Collection method: clinical testing. Allele origin: germline.
Comment: This sequence change replaces alanine, which is neutral and non-polar, with valine, which is neutral and non-polar, at codon 1217 of the CFTR protein (p.Ala1217Val). This variant is present in population databases (rs749662161, gnomAD 0.01%). This variant has not been reported in the literature in individuals affected with CFTR-related conditions. ClinVar contains an entry for this variant (Variation ID: 439480). Algorithms developed to predict the effect of missense changes on protein structure and function output the following: SIFT: "Tolerated"; PolyPhen-2: "Benign"; Align-GVGD: "Class C0". The valine amino acid residue is found in multiple mammalian species, which suggests that this missense change does not adversely affect protein function. In summary, the available evidence is currently insufficient to determine the role of this variant in disease. Therefore, it has been classified as a Variant of Uncertain Significance.

Women's Health and Genetics/Laboratory Corporation of America, LabCorp
Classification: Uncertain significance. Last evaluated: 2022-01-14. Review status: criteria provided, single submitter. Criteria: LabCorp Variant Classification Summary - May 2015. Collection method: clinical testing. Allele origin: germline.
Comment: Variant summary: CFTR c.3650C>T (p.Ala1217Val) results in a non-conservative amino acid change located in the 2nd ABC transporter-like ATP-binding domain (IPR003439) of the encoded protein sequence. Three of five in-silico tools predict a benign effect of the variant on protein function. The variant allele was found at a frequency of 2e-05 in 250184 control chromosomes (i.e. 5 heterozygotes) in the gnomAD database. The available data on variant occurrences in the general population are insufficient to allow any conclusion about variant significance. To our knowledge, no occurrence of c.3650C>T in individuals affected with Cystic Fibrosis and no experimental evidence demonstrating its impact on protein function have been reported. Six other clinical diagnostic laboratories have submitted clinical-significance assessments for this variant to ClinVar after 2014, and all classified the variant as uncertain significance. Based on the evidence outlined above, the variant was classified as uncertain significance.

Fulgent Genetics
Classification: Uncertain significance for Hereditary pancreatitis; Bronchiectasis with or without elevated sweat chloride 1; Cystic fibrosis; Congenital bilateral aplasia of vas deferens from CFTR mutation. Last evaluated: 2022-01-03. Review status: criteria provided, single submitter. Criteria: ACMG Guidelines, 2015. Collection method: clinical testing. Allele origin: unknown.

Genome-Nilou Lab
Classification: Uncertain significance for Cystic fibrosis. Last evaluated: 2021-09-05. Review status: criteria provided, single submitter. Criteria: ACMG Guidelines, 2015. Collection method: clinical testing. Allele origin: germline. Affected: no.

GeneDx
Classification: Uncertain significance. Last evaluated: 2020-03-06. Review status: criteria provided, single submitter. Criteria: GeneDx Variant Classification Process June 2021. Collection method: clinical testing. Allele origin: germline. Affected: yes.
Comment: In silico analysis supports that this missense variant does not alter protein structure/function; Has not been previously published as pathogenic or benign to our knowledge

Mayo Clinic Laboratories, Mayo Clinic
Classification: Uncertain significance. Last evaluated: 2019-12-10. Review status: criteria provided, single submitter. Criteria: ACMG Guidelines, 2015. Collection method: clinical testing. Allele origin: germline. Observed: 1 variant allele.

Natera, Inc.
Classification: Uncertain significance for Cystic Fibrosis. Last evaluated: 2018-05-11. Review status: no assertion criteria provided. Collection method: clinical testing. Allele origin: germline. Not counted in ClinVar's aggregate classification.

NM_000492.4(CFTR):c.3650C>T (p.Ala1217Val)

Genes: CFTR (CF transmembrane conductance regulator; plus strand), CFTR-AS2 (CFTR antisense RNA 2; minus strand). Cytogenetic location: 7q31.2.
Variant type: single nucleotide variant.
Coding change: c.3650C>T on transcript NM_000492.4 (MANE Select); coding-DNA position 3650, C replaced by T.
Protein change: p.Ala1217Val; replaces alanine 1217 with valine.
Molecular consequence: missense variant.
Genome position (GRCh38, 1-based): chr7:117,627,703, C>T. VCF-style: chr7-117627703-C-T. GRCh37 (hg19) VCF-style: chr7-117267757-C-T.
Other names: short protein forms A1217V.
Identifiers: ClinVar variation 439480 (VCV000439480.28), dbSNP rs749662161, ClinGen allele CA4451511.
Genomic context (GRCh38, chr7:117,627,703, plus strand): 5'-ACGTGAAGAAAGATGACATCTGGCCCTCAGGGGGCCAAATGACTGTCAAAGATCTCACAG[C>T]AAAATACACAGAAGGTGGAAATGCCATATTAGAGAACATTTCCTTCTCAATAAGTCCTGG-3'
Protein context (NP_000483.3, residues 1207-1227): GGQMTVKDLT[Ala1217Val]KYTEGGNAIL